The following is an entry in ClinVar:

NM_001018115.3(FANCD2):c.1993G>A (p.Val665Ile)

Genes: FANCD2 (FA complementation group D2; plus strand), LOC107303338 (3p25 FANCD2 Alu-mediated recombination region; plus strand). Cytogenetic location: 3p25.3.
Variant type: single nucleotide variant.
Coding change: c.1993G>A on transcript NM_001018115.3 (MANE Select); coding-DNA position 1993, G replaced by A.
Protein change: p.Val665Ile; replaces valine 665 with isoleucine.
Molecular consequence: missense variant.
Genome position (GRCh38, 1-based): chr3:10,064,401, G>A. VCF-style: chr3-10064401-G-A. GRCh37 (hg19) VCF-style: chr3-10106085-G-A.
Other names: c.1993G>A, p.Val665Ile (NM_001319984.2, NM_001374254.1, NM_033084.6); c.1882G>A, p.Val628Ile (NM_001374253.1); c.1993G>A (NM_033084.4); short protein forms V628I, V665I.
Identifiers: ClinVar variation 1042284 (VCV001042284.9), dbSNP rs774405864, ClinGen allele CA2249912.
Genomic context (GRCh38, chr3:10,064,401, plus strand): 5'-GTTTGCTTCCTGAAGGAATGGGTTGGGCATACCATCTGTAATGATTTCCAGGATGCCTTC[G>A]TAGTGGACTCCTGTGTTGTTCCGGAAGGGTAGGTATTGTTTACCTGCTGGCTTGGTTGCA-3'
Protein context (NP_001018125.1, residues 655-675): TICNDFQDAF[Val665Ile]VDSCVVPEGD

ClinVar aggregate classification (germline): Uncertain significance. Review status: criteria provided, multiple submitters, no conflicts (2 of 4 stars). 2 submissions from 2 submitters: Uncertain significance (2). Last evaluated 2025-03-07.

Conditions:
Fanconi anemia complementation group D2. Also called: FANCD2-Related Fanconi Anemia; FANCONI PANCYTOPENIA, TYPE 4; FANCONI ANEMIA, COMPLEMENTATION GROUP D. Identifiers: Orphanet 84, MedGen C3160738, MONDO:0009214, OMIM 227646.
Fanconi anemia (FA). Also called: Fanconi's anemia. Identifiers: Orphanet 84, MedGen C0015625, MeSH D005199, MONDO:0019391.

Allele frequency attached by ClinVar (database versions not stated): gnomAD 0.00001; ExAC 0.00003.
gnomAD v4.1: 28 of 1,613,662 alleles (0.0017%); highest among the groups gnomAD compares: African/African-American, 0.008%; no homozygotes.

Submissions (2):

Labcorp Genetics (formerly Invitae), Labcorp
Classification: Uncertain significance for Fanconi anemia. Last evaluated: 2025-03-07. Review status: criteria provided, single submitter. Criteria: Invitae Variant Classification Sherloc (09022015). Collection method: clinical testing. Allele origin: germline.
Comment: This sequence change replaces valine, which is neutral and non-polar, with isoleucine, which is neutral and non-polar, at codon 665 of the FANCD2 protein (p.Val665Ile). This variant is present in population databases (rs774405864, gnomAD 0.02%). This variant has not been reported in the literature in individuals affected with FANCD2-related conditions. ClinVar contains an entry for this variant (Variation ID: 1042284). Invitae Evidence Modeling of protein sequence and biophysical properties (such as structural, functional, and spatial information, amino acid conservation, physicochemical variation, residue mobility, and thermodynamic stability) indicates that this missense variant is not expected to disrupt FANCD2 protein function with a negative predictive value of 80%. In summary, the available evidence is currently insufficient to determine the role of this variant in disease. Therefore, it has been classified as a Variant of Uncertain Significance.

Fulgent Genetics
Classification: Uncertain significance for Fanconi anemia complementation group D2. Last evaluated: 2024-03-01. Review status: criteria provided, single submitter. Criteria: ACMG Guidelines, 2015. Collection method: clinical testing. Allele origin: germline.